The following is an entry in ClinVar:

ClinVar aggregate classification (germline): Uncertain significance (1 of 4 stars; one submission).

Submission:

GeneDx
Classification: Uncertain significance. Last evaluated: 2024-12-17. Review status: criteria provided, single submitter. Criteria: GeneDx Variant Classification Process June 2021. Collection method: clinical testing. Allele origin: germline. Affected: yes.
Comment: Not observed at significant frequency in large population cohorts (gnomAD); In silico analysis indicates that this missense variant does not alter protein structure/function; Has not been previously published as pathogenic or benign to our knowledge

NM_001848.3(COL6A1):c.2255T>G (p.Val752Gly)

Gene: COL6A1 (collagen type VI alpha 1 chain; plus strand). Cytogenetic location: 21q22.3.
Variant type: single nucleotide variant.
Coding change: c.2255T>G on transcript NM_001848.3 (MANE Select); coding-DNA position 2255, T replaced by G.
Protein change: p.Val752Gly; replaces valine 752 with glycine.
Molecular consequence: missense variant.
Genome position (GRCh38, 1-based): chr21:46,002,531, T>G. VCF-style: chr21-46002531-T-G. GRCh37 (hg19) VCF-style: chr21-47422445-T-G.
Other names: short protein forms V752G.
Identifiers: ClinVar variation 3906598 (VCV003906598.1).